The following is an entry in ClinVar:

ClinVar aggregate classification (germline): Likely benign (1 of 4 stars; one submission).

Submissions (2):

GeneDx
Classification: Likely benign. Last evaluated: 2016-12-30. Review status: criteria provided, single submitter. Criteria: GeneDx Variant Classification (06012015). Collection method: clinical testing. Allele origin: germline. Affected: yes.
Comment: This variant is considered likely benign or benign based on one or more of the following criteria: it is a conservative change, it occurs at a poorly conserved position in the protein, it is predicted to be benign by multiple in silico algorithms, and/or has population frequency not consistent with disease.

Roden Lab, Vanderbilt University Medical Center
No classification provided (evidence only). Condition: Long QT syndrome 5. Review status: no classification provided. Collection method: in vitro. Allele origin: not applicable. Functional consequence: Effect on ion channel function. Not counted in ClinVar's aggregate classification.
ClinVar note: "not provided" was previously submitted as the classification for the variant. However, the classification appeared to be based only on an observation of functional data so it was converted to no classification on 2025-07-30.

NM_000219.6(KCNE1):c.42C>T (p.Thr14=)

Gene: KCNE1 (potassium voltage-gated channel subfamily E regulatory subunit 1; minus strand). Cytogenetic location: 21q22.12.
Variant type: single nucleotide variant.
Coding change: c.42C>T on transcript NM_000219.6 (MANE Select); coding-DNA position 42, C replaced by T.
Protein change: p.Thr14=; no amino-acid change (threonine 14 retained).
Molecular consequence: synonymous variant.
Genome position (GRCh38, 1-based): chr21:34,449,593, G>A on the plus strand (C>T on the coding strand, the complement: KCNE1 is on the minus strand). VCF-style: chr21-34449593-G-A. GRCh37 (hg19) VCF-style: chr21-35821891-G-A.
Other names: c.42C>T, p.Thr14= (NM_001127668.4, NM_001127669.4, NM_001127670.4 and 4 more transcripts).
Identifiers: ClinVar variation 392311 (VCV000392311.3), dbSNP rs1057524440, ClinGen allele CA16608494.